The following is an entry in ClinVar:

NM_001035.3(RYR2):c.13735C>T (p.His4579Tyr)

Gene: RYR2 (ryanodine receptor 2; plus strand). Cytogenetic location: 1q43.
Variant type: single nucleotide variant.
Coding change: c.13735C>T on transcript NM_001035.3 (MANE Select); coding-DNA position 13735, C replaced by T.
Protein change: p.His4579Tyr; replaces histidine 4579 with tyrosine.
Molecular consequence: missense variant.
Genome position (GRCh38, 1-based): chr1:237,792,276, C>T. VCF-style: chr1-237792276-C-T. GRCh37 (hg19) VCF-style: chr1-237955576-C-T.
Other names: p.H4579Y:CAC>TAC; c.13735C>T, p.His4579Tyr (LRG_402t1); short protein forms H4579Y.
Identifiers: ClinVar variation 201403 (VCV000201403.4), dbSNP rs794728830, ClinGen allele CA008032.

ClinVar aggregate classification (germline): Conflicting classifications of pathogenicity. Review status: criteria provided, conflicting classifications (1 of 4 stars). 2 submissions from 2 submitters: Likely pathogenic (1); Uncertain significance (1). Last evaluated 2024-10-09.

Conditions:
Catecholaminergic polymorphic ventricular tachycardia 1. Also called: RYR2-Related Catecholaminergic Polymorphic Ventricular Tachycardia; VENTRICULAR TACHYCARDIA, CATECHOLAMINERGIC POLYMORPHIC, 1, WITH OR WITHOUT ATRIAL DYSFUNCTION AND/OR DILATED CARDIOMYOPATHY; VENTRICULAR TACHYCARDIA, STRESS-INDUCED POLYMORPHIC 1. Identifiers: Orphanet 3286, MedGen C1631597, MONDO:0011484, OMIM 604772.

Submissions (2):

Victorian Clinical Genetics Services, Murdoch Childrens Research Institute
Classification: Likely pathogenic for Catecholaminergic polymorphic ventricular tachycardia 1. Last evaluated: 2024-10-09. Review status: criteria provided, single submitter. Criteria: ACMG Guidelines, 2015. Collection method: clinical testing. Allele origin: germline. Inheritance: Autosomal dominant inheritance. Affected: yes.
Comment: Based on the classification scheme VCGS_Germline_v1.3.4, this variant is classified as Likely pathogenic. Following criteria are met: 0103 - Dominant negative and gain of function are known mechanisms of disease in this gene and are associated with catecholaminergic polymorphic ventricular tachycardia 1 (MIM#604772) and left ventricular non-compaction (PMIDs: 12459180, 27646203, 29477366, 31875585, 33500567). Loss of function has been reported for ventricular arrhythmias due to cardiac ryanodine receptor calcium release deficiency syndrome (MIM#115000), however dominant negative mechanism has not been excluded (PMID: 33536282). (I) 0107 - This gene is associated with autosomal dominant disease. (I) 0112 - The condition associated with this gene has incomplete penetrance. Penetrance for CPVT is estimated to be 60-70% (PMID: 23549275). (I) 0200 - Variant is predicted to result in a missense amino acid change from histidine to tyrosine. (I) 0251 - This variant is heterozygous. (I) 0301 - Variant is absent from gnomAD (both v2 and v3). (SP) 0501 - Missense variant consistently predicted to be damaging by multiple in silico tools or highly conserved with a major amino acid change. (SP) 0600 - Variant is located in the annotated Ryanodine Receptor TM 4-6 domain (DECIPHER). (I) 0708 - Other missense variants comparable to the one identified in this case have conflicting previous evidence for pathogenicity. Two alternative changes, p.(His4579Asn) and p.(His4579Gln), have been reported as VUS and likely pathogenic in ClinVar, respectively. (I) 0808 - Previous reports of pathogenicity for this variant are conflicting. This variant has been reported as VUS by a clinical laboratory (ClinVar). Additionally, this variant been classified as likely pathogenic in the literature and has been observed in a family with CPVT (PMIDs: 22222782, 28237968). (I) 0906 - Segregation evidence for this variant is inconclusive. This variant has been identified in a family with CPVT where familial testing confirmed the variant was present in seven symptomatic individuals and three asymptomatic individuals (PMID: 28237968). (I) 1007 - No published functional evidence has been identified for this variant. (SP) Legend: (SP) - Supporting pathogenic, (I) - Information, (SB) - Supporting benign

GeneDx
Classification: Uncertain significance. Last evaluated: 2017-07-10. Review status: criteria provided, single submitter. Criteria: GeneDx Variant Classification (06012015). Collection method: clinical testing. Allele origin: germline. Affected: yes.
Comment: The H4579Y variant of uncertain significance in the RYR2 gene has been previously reported in association with CPVT (Larsen et al., 2013; Broendberg et al., 2017). Cascade genetic testing revealed that the patient's mother, maternal aunt, and maternal uncle each harbored H4579Y, yet after Cardiology evaluation of all three relatives, only the maternal aunt met clinical criteria for CPVT (Larsen et al., 2013). More recently, Broendberg et al. (2017) identified H4579Y in a proband presenting with sudden cardiac death; familial testing confirmed the variant was present in seven symptomatic relatives and three asymptomatic relatives, although specific clinical information and relatives' relationship to the proband were not provided. H4579Y is not observed in large population cohorts (Lek et al., 2016; 1000 Genomes Consortium et al., 2015; Exome Variant Server). The H4579Y variant is a non-conservative amino acid substitution, which is likely to impact secondary protein structure as these residues differ in polarity, charge, size and/or other properties. Moreover, this substitution occurs at a position that is conserved across species, and in silico analysis predicts this variant is probably damaging to the protein structure/function. Furthermore, the H4579Y variant is located in one of the three hot-spot regions of the RYR2 gene, where the majority of pathogenic missense variants occur (Medeiros-Domingo et al., 2009). Nevertheless, this variant lacks observation in a significant number of affected individuals, informative segregation data, and functional evidence, which would further clarify its pathogenicity.

Literature cited by the submitters: PubMed 12459180 (cited by Victorian Clinical Genetics Services, Murdoch Childrens Research Institute); PubMed 22222782 (cited by Victorian Clinical Genetics Services, Murdoch Childrens Research Institute); PubMed 23549275 (cited by Victorian Clinical Genetics Services, Murdoch Childrens Research Institute); PubMed 27646203 (cited by Victorian Clinical Genetics Services, Murdoch Childrens Research Institute); PubMed 28237968 (cited by Victorian Clinical Genetics Services, Murdoch Childrens Research Institute); PubMed 29477366 (cited by Victorian Clinical Genetics Services, Murdoch Childrens Research Institute); PubMed 31875585 (cited by Victorian Clinical Genetics Services, Murdoch Childrens Research Institute); PubMed 33500567 (cited by Victorian Clinical Genetics Services, Murdoch Childrens Research Institute); PubMed 33536282 (cited by Victorian Clinical Genetics Services, Murdoch Childrens Research Institute).